The following is an entry in ClinVar:

NM_018557.3(LRP1B):c.11816C>G (p.Thr3939Ser)

Gene: LRP1B (LDL receptor related protein 1B; minus strand). Cytogenetic location: 2q22.1.
Variant type: single nucleotide variant.
Coding change: c.11816C>G on transcript NM_018557.3 (MANE Select); coding-DNA position 11816, C replaced by G.
Protein change: p.Thr3939Ser; replaces threonine 3939 with serine.
Molecular consequence: missense variant.
Genome position (GRCh38, 1-based): chr2:140,350,873, G>C on the plus strand (C>G on the coding strand, the complement: LRP1B is on the minus strand). VCF-style: chr2-140350873-G-C. GRCh37 (hg19) VCF-style: chr2-141108442-G-C.
Other names: short protein forms T3939S.
Identifiers: ClinVar variation 3035953 (VCV003035953.15), dbSNP rs139778530, ClinGen allele CA1892990.
Genomic context (GRCh38, chr2:140,350,873, plus strand): 5'-GCTTGCCTTTTTTCTCTGCCATGGATCCTTTTGTAGAAAATTCCGCCTGGATTAAACTGA[G>C]TACTCCAAATAATCATATCTCTTTGATAATATACATCCATCCCTGTTATTCTTGAATTAT-3'
Protein context (NP_061027.2, residues 3929-3949): YYQRDMIIWS[Thr3939Ser]QFNPGGIFYK

ClinVar aggregate classification (germline): Likely benign. Review status: criteria provided, single submitter (1 of 4 stars). 2 submissions from 2 submitters: Likely benign (1). 1 of the submissions does not count toward it. Last evaluated 2025-02-01.

Conditions:
LRP1B-related disorder. Also called: LRP1B-related condition.

Allele frequency attached by ClinVar (database versions not stated): ESP Exome Variant Server 0.00008; TOPMed 0.00012; gnomAD 0.00013; ExAC 0.00017.
gnomAD v4.1: 227 of 1,609,484 alleles (0.014%); highest among the groups gnomAD compares: Middle Eastern, 0.2%; no homozygotes.

Submissions (2):

CeGaT Center for Human Genetics Tuebingen
Classification: Likely benign. Last evaluated: 2025-02-01. Review status: criteria provided, single submitter. Criteria: CeGaT Center For Human Genetics Tuebingen Variant Classification Criteria Version 2. Collection method: clinical testing. Allele origin: germline. Affected: yes. Observed: 1 variant allele.
Comment: LRP1B: BS1

PreventionGenetics, part of Exact Sciences
Classification: Likely benign for LRP1B-related condition. Last evaluated: 2022-02-17. Review status: no assertion criteria provided. Collection method: clinical testing. Allele origin: germline. Not counted in ClinVar's aggregate classification.
Comment: This variant is classified as likely benign based on ACMG/AMP sequence variant interpretation guidelines (Richards et al. 2015 PMID: 25741868, with internal and published modifications).